The following is an entry in ClinVar:

ClinVar aggregate classification (germline): Pathogenic/Likely pathogenic. Review status: criteria provided, multiple submitters, no conflicts (2 of 4 stars). 4 submissions from 4 submitters: Pathogenic (3); Likely pathogenic (1). Last evaluated 2025-05-19.

Conditions:
Hereditary breast ovarian cancer syndrome. Also called: Hereditary breast and ovarian cancer syndrome; Breast and ovarian cancer; Hereditary breast and ovarian cancer syndrome (HBOC); Hereditary breast and/or ovarian cancer syndrome; BRCA1- and BRCA2-Associated Hereditary Breast and Ovarian Cancer; Hereditary breast and ovarian cancer. Identifiers: Orphanet 145, MedGen C0677776, MeSH D061325, MONDO:0003582. Disease mechanism: loss of function.
Hereditary cancer-predisposing syndrome. Also called: Neoplastic Syndromes, Hereditary; Hereditary neoplastic syndrome; Hereditary Cancer Syndrome; Tumor predisposition. Identifiers: Orphanet 140162, MedGen C0027672, MeSH D009386, MONDO:0015356.

Submissions (4):

Quest Diagnostics Nichols Institute San Juan Capistrano
Classification: Likely pathogenic. Last evaluated: 2025-05-19. Review status: criteria provided, single submitter. Criteria: Quest Diagnostics criteria. Collection method: clinical testing. Allele origin: unknown.
Comment: The BRCA1 c.1395T>G (p.Tyr465*) variant is predicted to cause the premature termination of BRCA1 protein synthesis. This variant has not been reported in individuals with BRCA1-related conditions in the published literature. This variant has not been reported in large, multi-ethnic general populations (Genome Aggregation Database). Based on the available information, this variant is classified as likely pathogenic.

Ambry Genetics
Classification: Pathogenic for Hereditary cancer-predisposing syndrome. Last evaluated: 2025-04-18. Review status: criteria provided, single submitter. Criteria: Ambry Variant Classification Scheme 2023. Collection method: clinical testing. Allele origin: germline.
Comment: The p.Y465* pathogenic mutation (also known as c.1395T>G), located in coding exon 9 of the BRCA1 gene, results from a T to G substitution at nucleotide position 1395. This changes the amino acid from a tyrosine to a stop codon within coding exon 9. This variant is considered to be rare based on population cohorts in the Genome Aggregation Database (gnomAD). This alteration is expected to result in loss of function by premature protein truncation or nonsense-mediated mRNA decay. As such, this alteration is interpreted as a disease-causing mutation.

Labcorp Genetics (formerly Invitae), Labcorp
Classification: Pathogenic for Hereditary breast ovarian cancer syndrome. Last evaluated: 2022-08-19. Review status: criteria provided, single submitter. Criteria: Invitae Variant Classification Sherloc (09022015). Collection method: clinical testing. Allele origin: germline.
Comment: This sequence change creates a premature translational stop signal (p.Tyr465*) in the BRCA1 gene. It is expected to result in an absent or disrupted protein product. Loss-of-function variants in BRCA1 are known to be pathogenic (PMID: 20104584). This variant is not present in population databases (gnomAD no frequency). This variant has not been reported in the literature in individuals affected with BRCA1-related conditions. ClinVar contains an entry for this variant (Variation ID: 1203083). For these reasons, this variant has been classified as Pathogenic.

GeneDx
Classification: Pathogenic. Last evaluated: 2020-10-16. Review status: criteria provided, single submitter. Criteria: GeneDx Variant Classification Process June 2021. Collection method: clinical testing. Allele origin: germline. Affected: yes.
Comment: Nonsense variant predicted to result in protein truncation or nonsense mediated decay in a gene for which loss-of-function is a known mechanism of disease; Not observed in large population cohorts (Lek 2016); Truncating variants in this gene are considered pathogenic by a well-established clinical consortium and/or database; Has not been previously published as pathogenic or benign to our knowledge

Literature cited by the submitters: PubMed 20104584 (cited by Labcorp Genetics (formerly Invitae), Labcorp).

NM_007294.4(BRCA1):c.1395T>G (p.Tyr465Ter)

Gene: BRCA1 (BRCA1 DNA repair associated; minus strand). Cytogenetic location: 17q21.31.
Variant type: single nucleotide variant.
Coding change: c.1395T>G on transcript NM_007294.4 (MANE Select); coding-DNA position 1395, T replaced by G.
Protein change: p.Tyr465Ter; replaces tyrosine 465 with a stop codon.
Molecular consequence: nonsense. On other transcripts: intron variant (137).
Genome position (GRCh38, 1-based): chr17:43,094,136, A>C on the plus strand (T>G on the coding strand, the complement: BRCA1 is on the minus strand). VCF-style: chr17-43094136-A-C. GRCh37 (hg19) VCF-style: chr17-41246153-A-C.
Other names: c.784+608T>G (NM_001407992.1, NM_001408400.1, NM_001408392.1 and 13 more transcripts); c.664+608T>G (NM_001408440.1, NM_001408428.1, NM_001408441.1 and 12 more transcripts); c.670+1710T>G (NM_001408418.1, NM_001408423.1, NM_001408420.1 and 2 more transcripts); c.787+608T>G (NM_001407981.1, NM_007298.4, NM_001407978.1 and 19 more transcripts); c.643+608T>G (NM_001408462.1, NM_001408470.1, NM_001408464.1 and 3 more transcripts); c.709+608T>G (NM_001408414.1, NM_001408411.1, NM_001408415.1 and 2 more transcripts); c.577+608T>G (NM_001408514.1, NM_001408485.1, NM_001408483.1 and 9 more transcripts); c.661+608T>G (NM_001408447.1, NM_001408433.1, NM_001408446.1 and 6 more transcripts); and 40 more; short protein forms Y418*, Y465*, Y169*, Y354*, Y397*, Y417*, Y338*, Y353*.
Identifiers: ClinVar variation 1203083 (VCV001203083.13), dbSNP rs2154448397, ClinGen allele CA10599254.